The following is an entry in ClinVar:

ClinVar aggregate classification (germline): Conflicting classifications of pathogenicity. Review status: criteria provided, conflicting classifications (1 of 4 stars). 3 submissions from 3 submitters: Uncertain significance (1); Likely benign (2). Last evaluated 2025-11-23.

Conditions:
Congenital sideroblastic anemia-B-cell immunodeficiency-periodic fever-developmental delay syndrome. Also called: Sideroblastic anemia with B-cell immunodeficiency, periodic fevers, and developmental delay. Identifiers: Orphanet 369861, MedGen C4015172, MONDO:0014487, OMIM 616084.
Inborn genetic diseases. Identifiers: MedGen C0950123, MeSH D030342.

Allele frequency attached by ClinVar (database versions not stated): gnomAD 0.00004; gnomAD exomes 0.00005; TOPMed 0.00005; ExAC 0.00006; ESP Exome Variant Server 0.00008.
gnomAD v4.1: 74 of 1,571,370 alleles (0.0047%); highest among the groups gnomAD compares: African/African-American, 0.0083%; no homozygotes.

Submissions (3):

Labcorp Genetics (formerly Invitae), Labcorp
Classification: Likely benign for Congenital sideroblastic anemia-B-cell immunodeficiency-periodic fever-developmental delay syndrome. Last evaluated: 2025-11-23. Review status: criteria provided, single submitter. Criteria: Invitae Variant Classification Sherloc (09022015). Collection method: clinical testing. Allele origin: germline.

Blueprint Genetics
Classification: Likely benign. Last evaluated: 2024-01-15. Review status: criteria provided, single submitter. Criteria: ACMG Guidelines, 2015. Collection method: clinical testing. Allele origin: germline.

Ambry Genetics
Classification: Uncertain significance for Inborn genetic diseases. Last evaluated: 2022-06-09. Review status: criteria provided, single submitter. Criteria: Ambry Variant Classification Scheme 2023. Collection method: clinical testing. Allele origin: germline.
Comment: The c.149-5C>T intronic alteration consists of a C to T substitution 5 nucleotides before exon 3 (coding exon 2) of the TRNT1 gene. Based on insufficient or conflicting evidence, the clinical significance of this alteration remains unclear.

NM_182916.3(TRNT1):c.149-5C>T

Gene: TRNT1 (tRNA nucleotidyl transferase 1; plus strand). Cytogenetic location: 3p26.2.
Variant type: single nucleotide variant.
Coding change: c.149-5C>T on transcript NM_182916.3 (MANE Select); 5 bases into the intron before coding-DNA position 149, C replaced by T.
Molecular consequence: intron variant.
Genome position (GRCh38, 1-based): chr3:3,137,255, C>T. VCF-style: chr3-3137255-C-T. GRCh37 (hg19) VCF-style: chr3-3178939-C-T.
Other names: c.149-5C>T (NM_182916.2, NM_001367321.1, NM_001367323.1 and 2 more transcripts).
Identifiers: ClinVar variation 1570265 (VCV001570265.10), dbSNP rs200056840, ClinGen allele CA2228573.